The following is an entry in ClinVar:

NM_001672.3(ASIP):c.14G>A (p.Arg5His)

Genes: AHCY (adenosylhomocysteinase; minus strand), ASIP (agouti signaling protein; plus strand). Cytogenetic location: 20q11.22.
Variant type: single nucleotide variant.
Coding change: c.14G>A on transcript NM_001672.3 (MANE Select); coding-DNA position 14, G replaced by A.
Protein change: p.Arg5His; replaces arginine 5 with histidine.
Molecular consequence: missense variant.
Genome position (GRCh38, 1-based): chr20:34,260,388, G>A. VCF-style: chr20-34260388-G-A. GRCh37 (hg19) VCF-style: chr20-32848194-G-A.
Other names: c.14G>A, p.Arg5His (NM_001385218.1); short protein forms R5H.
Identifiers: ClinVar variation 4155000 (VCV004155000.2).

ClinVar aggregate classification (germline): Uncertain significance. Review status: criteria provided, multiple submitters, no conflicts (2 of 4 stars). 2 submissions from 2 submitters: Uncertain significance (2). Last evaluated 2026-08-19.

Conditions:
ASIP-related condition.

gnomAD v4.1: 11 of 1,613,416 alleles (0.00068%); highest among the groups gnomAD compares: East Asian, 0.0045%; no homozygotes.

Submissions (2):

PreventionGenetics, part of Exact Sciences
Classification: Uncertain significance for ASIP-related condition. Last evaluated: 2026-08-19. Review status: criteria provided, single submitter. Criteria: ACMG Guidelines, 2015. Collection method: clinical testing. Allele origin: germline.
Comment: The ASIP c.14G>A variant is predicted to result in the amino acid substitution p.Arg5His. To our knowledge, this variant has not been reported in the literature. This variant is reported in 0.011% of alleles in individuals of East Asian descent in gnomAD. At this time, the clinical significance of this variant is uncertain due to the absence of conclusive functional and genetic evidence.

Ambry Genetics
Classification: Uncertain significance. Last evaluated: 2025-06-18. Review status: criteria provided, single submitter. Criteria: Ambry Variant Classification Scheme 2023. Collection method: clinical testing. Allele origin: germline.